The following is an entry in ClinVar:

ClinVar aggregate classification (germline): Pathogenic. Review status: criteria provided, multiple submitters, no conflicts (2 of 4 stars). 8 submissions from 8 submitters: Pathogenic (8). Last evaluated 2025-02-20.

Conditions:
Glycogen storage disease type III (GSD3). Also called: FORBES DISEASE; Cori disease. Identifiers: Orphanet 366, MedGen C0017922, MONDO:0009291, OMIM 232400.
AGL-related disorder. Also called: AGL-related condition.

Allele frequency attached by ClinVar (database versions not stated): gnomAD exomes below 0.00001; TOPMed below 0.00001; ExAC 0.00001; gnomAD 0.00001.
gnomAD v4.1: 8 of 1,613,902 alleles (0.0005%); highest among the groups gnomAD compares: East Asian, 0.0022%; no homozygotes.

Submissions (8):

Natera, Inc.
Classification: Pathogenic for Glycogen storage disease type III. Last evaluated: 2025-02-20. Review status: criteria provided, single submitter. Criteria: Natera Variant Classification Schema (03/2026). Collection method: clinical testing. Allele origin: germline.
Comment: The c.1571G>A variant in AGL is a missense variant predicted to cause substitution of arginine to histidine at amino acid 524. This variant is rare in the general population with a frequency below the threshold expected for the associated phenotype(s). This variant has been observed in one or more individuals affected with the associated recessive disease, as either homozygous or compound heterozygous with a second variant (PMID: 22089644, 26984562, 32374048). Given the available evidence, this variant is classified as Pathogenic.

Labcorp Genetics (formerly Invitae), Labcorp
Classification: Pathogenic for Glycogen storage disease type III. Last evaluated: 2024-08-08. Review status: criteria provided, single submitter. Criteria: Invitae Variant Classification Sherloc (09022015). Collection method: clinical testing. Allele origin: germline.
Comment: This sequence change replaces arginine, which is basic and polar, with histidine, which is basic and polar, at codon 524 of the AGL protein (p.Arg524His). This variant is present in population databases (rs758182700, gnomAD 0.0009%). This missense change has been observed in individual(s) with glycogen storage disease III (PMID: 16705713, 22089644, 26984562). In at least one individual the data is consistent with being in trans (on the opposite chromosome) from a pathogenic variant. It has also been observed to segregate with disease in related individuals. ClinVar contains an entry for this variant (Variation ID: 844261). Advanced modeling of protein sequence and biophysical properties (such as structural, functional, and spatial information, amino acid conservation, physicochemical variation, residue mobility, and thermodynamic stability) has been performed at Invitae for this missense variant, however the output from this modeling did not meet the statistical confidence thresholds required to predict the impact of this variant on AGL protein function. Experimental studies have shown that this missense change affects AGL function (PMID: 27088557). For these reasons, this variant has been classified as Pathogenic.

Baylor Genetics
Classification: Pathogenic for Glycogen storage disease type III. Last evaluated: 2024-02-16. Review status: criteria provided, single submitter. Criteria: ACMG Guidelines, 2015. Collection method: clinical testing. Allele origin: unknown.

Mayo Clinic Laboratories, Mayo Clinic
Classification: Pathogenic. Last evaluated: 2022-11-21. Review status: criteria provided, single submitter. Criteria: ACMG Guidelines, 2015. Collection method: clinical testing. Allele origin: germline. Observed: 1 variant allele.
Comment: PP3, PP4, PM2, PM3_strong, PS4_moderate

Women's Health and Genetics/Laboratory Corporation of America, LabCorp
Classification: Pathogenic for Glycogen storage disease type III. Last evaluated: 2021-10-30. Review status: criteria provided, single submitter. Criteria: LabCorp Variant Classification Summary - May 2015. Collection method: clinical testing. Allele origin: germline.
Comment: Variant summary: AGL c.1571G>A (p.Arg524His) results in a non-conservative amino acid change located in the Glycogen debranching enzyme, glucanotransferase domain (IPR032792) of the encoded protein sequence. Five of five in-silico tools predict a damaging effect of the variant on protein function. The variant allele was found at a frequency of 4e-06 in 251208 control chromosomes. c.1571G>A has been reported in the literature in individuals affected with Glycogen Storage Disease Type III (example, Lucchiari_2006, Mili_2012, Lu_2016). These data indicate that the variant is likely to be associated with disease. At least one publication reports experimental evidence evaluating an impact on protein function (Zhai_2016). The most pronounced variant effect results in <10% of normal debranching enzyme specific activity. One clinical diagnostic laboratory has submitted clinical-significance assessments for this variant to ClinVar after 2014 without evidence for independent evaluation and classified the variant as pathogenic. Based on the evidence outlined above, the variant was classified as pathogenic.

Genome-Nilou Lab
Classification: Pathogenic for Glycogen storage disease type III. Last evaluated: 2021-07-15. Review status: criteria provided, single submitter. Criteria: ACMG Guidelines, 2015. Collection method: clinical testing. Allele origin: germline. Affected: no.

Blueprint Genetics
Classification: Pathogenic for AGL-related disorders. Last evaluated: 2019-09-10. Review status: criteria provided, single submitter. Criteria: ACMG Guidelines, 2015. Collection method: clinical testing. Allele origin: germline. Affected: yes. Observed: 1 variant allele.

Neuberg Centre For Genomic Medicine, NCGM
Classification: Pathogenic for Glycogen storage disease type III. Review status: criteria provided, single submitter. Criteria: ACMG Guidelines, 2015. Collection method: clinical testing. Allele origin: germline. Inheritance: Autosomal recessive inheritance. Affected: yes.
Comment: The missense c.1571G>A(p.Arg524His) variant in AGL gene has been reported in homozygous state in individuals affected with Glycogen storage disease (Çakar NE, et. al.,2020). The variant is reported with an allele frequency of 0.0004% in the gnomAD exomes database and is novel (not in any individuals) in 1000 Genomes database. This variant has been reported to the ClinVar database as Pathogenic (multiple submission). The amino acid change p.Arg524His in AGL is predicted as conserved by GERP++ and PhyloP across 100 vertebrates. The amino acid Arg at position 524 is changed to a His changing protein sequence and it might alter its composition and physico-chemical properties. For these reasons, this variant has been classified as Pathogenic.

Literature cited by the submitters: PubMed 22089644 (cited by 4 submitters); PubMed 26984562 (cited by 4 submitters); PubMed 32374048 (cited by 3 submitters); PubMed 16705713 (cited by 3 submitters); PubMed 27088557 (cited by 3 submitters); PubMed 31508908 (cited by Mayo Clinic Laboratories, Mayo Clinic).

NM_000642.3(AGL):c.1571G>A (p.Arg524His)

Gene: AGL (amylo-alpha-1,6-glucosidase and 4-alpha-glucanotransferase; plus strand). Cytogenetic location: 1p21.2.
Variant type: single nucleotide variant.
Coding change: c.1571G>A on transcript NM_000642.3 (MANE Select); coding-DNA position 1571, G replaced by A.
Protein change: p.Arg524His; replaces arginine 524 with histidine.
Molecular consequence: missense variant.
Genome position (GRCh38, 1-based): chr1:99,877,788, G>A. VCF-style: chr1-99877788-G-A. GRCh37 (hg19) VCF-style: chr1-100343344-G-A.
Other names: p.Arg524His; c.1571G>A, p.Arg524His (NM_000028.3, NM_000643.3, NM_000644.3 and 2 more transcripts); c.1523G>A, p.Arg508His (NM_000646.3); c.1370G>A, p.Arg457His (NM_001425327.1); c.1367G>A, p.Arg456His (NM_001425328.1, NM_001425329.1); c.1193G>A, p.Arg398His (NM_001425332.1); short protein forms R508H, R524H, R398H, R456H, R457H.
Identifiers: ClinVar variation 844261 (VCV000844261.23), dbSNP rs758182700, ClinGen allele CA966530.